The following is an entry in ClinVar:

ClinVar aggregate classification (germline): Uncertain significance. Review status: criteria provided, multiple submitters, no conflicts (2 of 4 stars). 2 submissions from 2 submitters: Uncertain significance (2). Last evaluated 2024-07-21.

Conditions:
Amyotrophic lateral sclerosis type 4 (ALS4). Also called: AMYOTROPHIC LATERAL SCLEROSIS 4, JUVENILE; NEURONOPATHY, DISTAL HEREDITARY MOTOR, WITH PYRAMIDAL FEATURES. Identifiers: Orphanet 357043, MedGen C1865409, MONDO:0011223, OMIM 602433.
Spinocerebellar ataxia, autosomal recessive, with axonal neuropathy 2 (SCAN2). Also called: ATAXIA-OCULOMOTOR APRAXIA 2; Ataxia-ocular apraxia-2; Ataxia with Oculomotor Apraxia Type 2; Ataxia with Oculomotor Apraxia. Identifiers: Orphanet 64753, MedGen C1853761, MONDO:0018996, OMIM 606002.
Inborn genetic diseases. Identifiers: MedGen C0950123, MeSH D030342.

Allele frequency attached by ClinVar (database versions not stated): gnomAD exomes below 0.00001; TOPMed 0.00001.
gnomAD v4.1: 3 of 1,611,890 alleles (0.00019%); highest among the groups gnomAD compares: Admixed American, 0.005%; no homozygotes.

Submissions (2):

Labcorp Genetics (formerly Invitae), Labcorp
Classification: Uncertain significance for Amyotrophic lateral sclerosis type 4; Spinocerebellar ataxia, autosomal recessive, with axonal neuropathy 2. Last evaluated: 2024-07-21. Review status: criteria provided, single submitter. Criteria: Invitae Variant Classification Sherloc (09022015). Collection method: clinical testing. Allele origin: germline.
Comment: This sequence change replaces serine, which is neutral and polar, with asparagine, which is neutral and polar, at codon 928 of the SETX protein (p.Ser928Asn). This variant is not present in population databases (gnomAD no frequency). This variant has not been reported in the literature in individuals affected with SETX-related conditions. ClinVar contains an entry for this variant (Variation ID: 1016217). Advanced modeling of protein sequence and biophysical properties (such as structural, functional, and spatial information, amino acid conservation, physicochemical variation, residue mobility, and thermodynamic stability) performed at Invitae indicates that this missense variant is not expected to disrupt SETX protein function with a negative predictive value of 95%. In summary, the available evidence is currently insufficient to determine the role of this variant in disease. Therefore, it has been classified as a Variant of Uncertain Significance.

Ambry Genetics
Classification: Uncertain significance for Inborn genetic diseases. Last evaluated: 2024-03-30. Review status: criteria provided, single submitter. Criteria: Ambry Variant Classification Scheme 2023. Collection method: clinical testing. Allele origin: germline.

NM_015046.7(SETX):c.2783G>A (p.Ser928Asn)

Gene: SETX (senataxin; minus strand). Cytogenetic location: 9q34.13.
Variant type: single nucleotide variant.
Coding change: c.2783G>A on transcript NM_015046.7 (MANE Select); coding-DNA position 2783, G replaced by A.
Protein change: p.Ser928Asn; replaces serine 928 with asparagine.
Molecular consequence: missense variant.
Genome position (GRCh38, 1-based): chr9:132,328,815, C>T on the plus strand (G>A on the coding strand, the complement: SETX is on the minus strand). VCF-style: chr9-132328815-C-T. GRCh37 (hg19) VCF-style: chr9-135204202-C-T.
Other names: c.2783G>A (NM_015046.5); c.2783G>A, p.Ser928Asn (NM_001351527.2, NM_001351528.2); short protein forms S928N.
Identifiers: ClinVar variation 1016217 (VCV001016217.10), dbSNP rs1258279869, ClinGen allele CA375333880.